The following is an entry in ClinVar:

NM_004104.5(FASN):c.3176C>T (p.Pro1059Leu)

Gene: FASN (fatty acid synthase; minus strand). Cytogenetic location: 17q25.3.
Variant type: single nucleotide variant.
Coding change: c.3176C>T on transcript NM_004104.5 (MANE Select); coding-DNA position 3176, C replaced by T.
Protein change: p.Pro1059Leu; replaces proline 1059 with leucine.
Molecular consequence: missense variant.
Genome position (GRCh38, 1-based): chr17:82,087,372, G>A on the plus strand (C>T on the coding strand, the complement: FASN is on the minus strand). VCF-style: chr17-82087372-G-A. GRCh37 (hg19) VCF-style: chr17-80045248-G-A.
Other names: short protein forms P1059L.
Identifiers: ClinVar variation 2809032 (VCV002809032.3), dbSNP rs2034124019, ClinGen allele CA401554452.

ClinVar aggregate classification (germline): Uncertain significance (1 of 4 stars; one submission).

Conditions:
Epileptic encephalopathy. Identifiers: MedGen C0543888, HP:0200134.

Submission:

Labcorp Genetics (formerly Invitae), Labcorp
Classification: Uncertain significance for Epileptic encephalopathy. Last evaluated: 2022-10-20. Review status: criteria provided, single submitter. Criteria: Invitae Variant Classification Sherloc (09022015). Collection method: clinical testing. Allele origin: germline.
Comment: Algorithms developed to predict the effect of missense changes on protein structure and function are either unavailable or do not agree on the potential impact of this missense change (SIFT: "Deleterious"; PolyPhen-2: "Probably Damaging"; Align-GVGD: "Class C0"). In summary, the available evidence is currently insufficient to determine the role of this variant in disease. Therefore, it has been classified as a Variant of Uncertain Significance. This variant has not been reported in the literature in individuals affected with FASN-related conditions. This variant is not present in population databases (gnomAD no frequency). This sequence change replaces proline, which is neutral and non-polar, with leucine, which is neutral and non-polar, at codon 1059 of the FASN protein (p.Pro1059Leu).